The following is an entry in ClinVar:

NM_000044.6(AR):c.2408A>T (p.Gln803Leu)

Gene: AR (androgen receptor; plus strand). Cytogenetic location: Xq12.
Variant type: single nucleotide variant.
Coding change: c.2408A>T on transcript NM_000044.6 (MANE Select); coding-DNA position 2408, A replaced by T.
Protein change: p.Gln803Leu; replaces glutamine 803 with leucine.
Molecular consequence: missense variant.
Genome position (GRCh38, 1-based): chrX:67,721,922, A>T. VCF-style: chrX-67721922-A-T. GRCh37 (hg19) VCF-style: chrX-66941764-A-T.
Other names: c.812A>T, p.Gln271Leu (NM_001011645.3); short protein forms Q271L, Q803L.
Identifiers: ClinVar variation 3757422 (VCV003757422.2).

ClinVar aggregate classification (germline): Uncertain significance (1 of 4 stars; one submission).

Conditions:
Kennedy disease (SMAX1). Also called: SPINAL AND BULBAR MUSCULAR ATROPHY, X-LINKED 1; KENNEDY SPINAL AND BULBAR MUSCULAR ATROPHY; Spinal and Bulbar Muscular Atrophy. Identifiers: Orphanet 481, MedGen C1839259, MONDO:0010735, OMIM 313200.
Androgen resistance syndrome (AIS). Also called: ANDROGEN RECEPTOR DEFICIENCY; DIHYDROTESTOSTERONE RECEPTOR DEFICIENCY; TESTICULAR FEMINIZATION SYNDROME; Androgen insensitivity syndrome; Androgen insensitivity; DHTR DEFICIENCY. Identifiers: Orphanet 754, Orphanet 99429, MedGen C0039585, MONDO:0019154, OMIM 300068. Disease mechanism: loss of function.

Submission:

Labcorp Genetics (formerly Invitae), Labcorp
Classification: Uncertain significance for Kennedy disease; Androgen resistance syndrome. Last evaluated: 2024-08-06. Review status: criteria provided, single submitter. Criteria: Invitae Variant Classification Sherloc (09022015). Collection method: clinical testing. Allele origin: germline.
Comment: This sequence change replaces glutamine, which is neutral and polar, with leucine, which is neutral and non-polar, at codon 803 of the AR protein (p.Gln803Leu). This variant is not present in population databases (gnomAD no frequency). This variant has not been reported in the literature in individuals affected with AR-related conditions. Advanced modeling of protein sequence and biophysical properties (such as structural, functional, and spatial information, amino acid conservation, physicochemical variation, residue mobility, and thermodynamic stability) has been performed at Invitae for this missense variant, however the output from this modeling did not meet the statistical confidence thresholds required to predict the impact of this variant on AR protein function. In summary, the available evidence is currently insufficient to determine the role of this variant in disease. Therefore, it has been classified as a Variant of Uncertain Significance.